The following is an entry in ClinVar:

ClinVar aggregate classification (germline): Uncertain significance (1 of 4 stars; one submission).

Conditions:
Inborn genetic diseases. Identifiers: MedGen C0950123, MeSH D030342.

Submission:

Ambry Genetics
Classification: Uncertain significance for Inborn genetic diseases. Last evaluated: 2025-07-17. Review status: criteria provided, single submitter. Criteria: Ambry Variant Classification Scheme 2023. Collection method: clinical testing. Allele origin: germline.
Comment: The p.A285V variant (also known as c.854C>T), located in coding exon 7 of the BUB1B gene, results from a C to T substitution at nucleotide position 854. The alanine at codon 285 is replaced by valine, an amino acid with similar properties. This amino acid position is conserved. In addition, this alteration is predicted to be tolerated by in silico analysis. Since supporting evidence is limited at this time, the clinical significance of this alteration remains unclear.

NM_001211.6(BUB1B):c.854C>T (p.Ala285Val)

Gene: BUB1B (BUB1 mitotic checkpoint serine/threonine kinase B; plus strand). Cytogenetic location: 15q15.1.
Variant type: single nucleotide variant.
Coding change: c.854C>T on transcript NM_001211.6 (MANE Select); coding-DNA position 854, C replaced by T.
Protein change: p.Ala285Val; replaces alanine 285 with valine.
Molecular consequence: missense variant.
Genome position (GRCh38, 1-based): chr15:40,185,267, C>T. VCF-style: chr15-40185267-C-T. GRCh37 (hg19) VCF-style: chr15-40477468-C-T.
Other names: short protein forms A285V.
Identifiers: ClinVar variation 2565449 (VCV002565449.3), dbSNP rs891396491, ClinGen allele CA391684393.